The following is an entry in ClinVar:

NM_006785.4(MALT1):c.1449C>T (p.Thr483=)

Gene: MALT1 (MALT1 paracaspase; plus strand). Cytogenetic location: 18q21.32.
Variant type: single nucleotide variant.
Coding change: c.1449C>T on transcript NM_006785.4 (MANE Select); coding-DNA position 1449, C replaced by T.
Protein change: p.Thr483=; no amino-acid change (threonine 483 retained).
Molecular consequence: synonymous variant.
Genome position (GRCh38, 1-based): chr18:58,734,355, C>T. VCF-style: chr18-58734355-C-T. GRCh37 (hg19) VCF-style: chr18-56401587-C-T.
Other names: c.1416C>T, p.Thr472= (NM_173844.3).
Identifiers: ClinVar variation 728241 (VCV000728241.38), dbSNP rs150095121, ClinGen allele CA8977912.
Genomic context (GRCh38, chr18:58,734,355, plus strand): 5'-TCCCTTAAATAGAAATGACTACGATGATACCATTCCAATCTTGGATGCACTAAAAGTCAC[C>T]GCCAATATTGTGTTTGGATATGCCACGTAAGAACATTTGATGTTTACGTTGAAGTTTCCT-3'
Protein context (NP_006776.1, residues 473-493): TIPILDALKV[Thr483=]ANIVFGYATC

ClinVar aggregate classification (germline): Likely benign. Review status: criteria provided, multiple submitters, no conflicts (2 of 4 stars). 6 submissions from 6 submitters: Likely benign (5). 1 of the submissions does not count toward it. Last evaluated 2026-07-01.

Conditions:
MALT1-related disorder. Also called: MALT1-related condition.
Combined immunodeficiency due to MALT1 deficiency. Also called: Immunodeficiency 12. Identifiers: Orphanet 397964, MedGen C3809583, MONDO:0014197, OMIM 615468.

Allele frequency attached by ClinVar (database versions not stated): ExAC 0.00017; gnomAD exomes 0.00019 and 0.00033; gnomAD 0.00027 and 0.00028; TOPMed 0.00031; 1000 Genomes Project 0.00040; 1000 Genomes Project 30x 0.00047; ESP Exome Variant Server 0.00062.
gnomAD v4.1: 518 of 1,613,622 alleles (0.032%); highest among the groups gnomAD compares: Non-Finnish European, 0.039%; no homozygotes.

Submissions (6):

CeGaT Center for Human Genetics Tuebingen
Classification: Likely benign. Last evaluated: 2026-07-01. Review status: criteria provided, single submitter. Criteria: CeGaT Center For Human Genetics Tuebingen Variant Classification Criteria Version 2. Collection method: clinical testing. Allele origin: germline. Affected: yes. Observed: 2 variant alleles.
Comment: MALT1: BP4, BP7

Labcorp Genetics (formerly Invitae), Labcorp
Classification: Likely benign for Combined immunodeficiency due to MALT1 deficiency. Last evaluated: 2026-01-27. Review status: criteria provided, single submitter. Criteria: Invitae Variant Classification Sherloc (09022015). Collection method: clinical testing. Allele origin: germline.

Women's Health and Genetics/Laboratory Corporation of America, LabCorp
Classification: Likely benign. Last evaluated: 2026-01-23. Review status: criteria provided, single submitter. Criteria: LabCorp Variant Classification Summary - May 2015. Collection method: clinical testing. Allele origin: germline.

Blueprint Genetics
Classification: Likely benign. Last evaluated: 2024-11-21. Review status: criteria provided, single submitter. Criteria: ACMG Guidelines, 2015. Collection method: clinical testing. Allele origin: germline.

Breakthrough Genomics
Classification: Likely benign. Review status: criteria provided, single submitter. Criteria: ACMG Guidelines, 2015. Collection method: not provided. Allele origin: germline. Inheritance: Autosomal recessive inheritance. Affected: yes.

PreventionGenetics, part of Exact Sciences
Classification: Likely benign for MALT1-related condition. Last evaluated: 2019-10-28. Review status: no assertion criteria provided. Collection method: clinical testing. Allele origin: germline. Not counted in ClinVar's aggregate classification.
Comment: This variant is classified as likely benign based on ACMG/AMP sequence variant interpretation guidelines (Richards et al. 2015 PMID: 25741868, with internal and published modifications).